The following is an entry in ClinVar:

NM_007120.3(UGT1A4):c.687C>T (p.Ala229=)

Genes: UGT1A (UDP glucuronosyltransferase family 1 member A complex locus; plus strand), UGT1A10 (UDP glucuronosyltransferase family 1 member A10; plus strand), UGT1A4 (UDP glucuronosyltransferase family 1 member A4; plus strand), UGT1A5 (UDP glucuronosyltransferase family 1 member A5; plus strand), UGT1A6 (UDP glucuronosyltransferase family 1 member A6; plus strand) and 3 more. Cytogenetic location: 2q37.1.
Variant type: single nucleotide variant.
Coding change: c.687C>T on transcript NM_007120.3 (MANE Select); coding-DNA position 687, C replaced by T.
Protein change: p.Ala229=; no amino-acid change (alanine 229 retained).
Molecular consequence: synonymous variant. On other transcripts: intron variant (7).
Genome position (GRCh38, 1-based): chr2:233,719,507, C>T. VCF-style: chr2-233719507-C-T. GRCh37 (hg19) VCF-style: chr2-234628153-C-T.
Other names: c.856-47527C>T (NM_019076.5, NM_019075.4); c.855+46718C>T (NM_021027.3); c.855+36715C>T (NM_019077.3); c.60+25642C>T (NM_205862.3); c.861+25642C>T (NM_001072.4); c.867+5649C>T (NM_019078.2).
Identifiers: ClinVar variation 3388455 (VCV003388455.14).

ClinVar aggregate classification (germline): Likely benign (1 of 4 stars; one submission).

gnomAD v4.1: 265 of 1,613,148 alleles (0.016%); highest among the groups gnomAD compares: Middle Eastern, 0.017%; 1 homozygote.

Submission:

CeGaT Center for Human Genetics Tuebingen
Classification: Likely benign. Last evaluated: 2025-01-01. Review status: criteria provided, single submitter. Criteria: CeGaT Center For Human Genetics Tuebingen Variant Classification Criteria Version 2. Collection method: clinical testing. Allele origin: germline. Affected: yes. Observed: 2 variant alleles.
Comment: UGT1A4: BP4, BP7